The following is an entry in ClinVar:

ClinVar aggregate classification (germline): Likely pathogenic (1 of 4 stars; one submission).

Conditions:
Cardiovascular phenotype. Identifiers: MedGen CN230736.

Submission:

Ambry Genetics
Classification: Likely pathogenic for Cardiovascular phenotype. Last evaluated: 2025-09-30. Review status: criteria provided, single submitter. Criteria: Ambry Variant Classification Scheme 2023. Collection method: clinical testing. Allele origin: germline.
Comment: The c.12291delA variant, located in coding exon 44 of the TTN gene, results from a deletion of one nucleotide at nucleotide position 12291, causing a translational frameshift with a predicted alternate stop codon (p.D4098Mfs*9). This exon is located in the I-band region of the N2-B isoform of the titin protein and is constitutively expressed in TTN transcripts (percent spliced in or PSI 100%). This variant is expected to result in loss of function by premature protein truncation or nonsense-mediated mRNA decay. While truncating variants in TTN are present in 1-3% of the general population, truncating variants in the A-band are the most common cause of dilated cardiomyopathy (Herman DS et al. N. Engl. J. Med., 2012 Feb;366:619-28; Roberts AM et al. Sci Transl Med, 2015 Jan;7:270ra6). TTN truncating variants encoded in constitutive exons (PSI >90%) have been found to be significantly associated with DCM regardless of their position in titin (Schafer S et al. Nat. Genet., 2017 01;49:46-53; Akhtar MM et al. Circ Heart Fail, 2020 Oct;13:e006832; Massier M et al. Clin Genet, 2025 Jan). This variant is considered to be rare based on population cohorts in the Genome Aggregation Database (gnomAD). Based on the majority of available evidence to date, this variant is likely to be pathogenic.

NM_001267550.2(TTN):c.13380del (p.Asp4461fs)

Gene: TTN (titin; minus strand). Cytogenetic location: 2q31.2.
Variant type: Deletion.
Coding change: c.13380del on transcript NM_001267550.2 (MANE Select); coding-DNA position 13380, one base deleted (A; older notation c.13380delA).
Protein change: p.Asp4461fs; shifts the reading frame from aspartic acid 4461.
Molecular consequence: frameshift variant. On other transcripts: intron variant (1).
Genome position (GRCh38, 1-based): chr2:178,739,853, T deleted on the plus strand (A on the coding strand, the reverse complement: TTN is on the minus strand); the first of 2 consecutive T bases (chr2:178,739,853-178,739,854); deleting either gives the same sequence. VCF-style (leftmost placement, unchanged base first): chr2-178739852-CT-C. GRCh37 (hg19) VCF-style: chr2-179604579-CT-C.
Other names: c.12429del, p.Asp4144fs (NM_001256850.1); c.12291del, p.Asp4098fs (NM_003319.4); c.12666del, p.Asp4223fs (NM_133432.3); c.12867del, p.Asp4290fs (NM_133437.4); c.10361-1493del (NM_133378.4); c.12291delA (NM_003319.4); short protein forms D4098fs, D4144fs, D4223fs, D4290fs, D4461fs.
Identifiers: ClinVar variation 3223193 (VCV003223193.2), dbSNP rs2530626511, ClinGen allele CA2825001043.
Genomic context (GRCh38, chr2:178,739,852, plus strand): 5'-TAATAGCACACAAAGCATCCCTAAGTTCCATTTTCAGGTTAGCCATTTGAGGATCAACAT[CT>C]TCAATAATGATGGTTACTTCTTCTGTTACAGACTTTGCCGAAGTAACAAGGTACATGCAC-3'